The following is an entry in ClinVar:

NM_001267550.2(TTN):c.43894_43896del (p.Val14632del)

Gene: TTN (titin; minus strand). Cytogenetic location: 2q31.2.
Variant type: Deletion.
Coding change: c.43894_43896del on transcript NM_001267550.2 (MANE Select); coding-DNA positions 43894 to 43896, 3 bases deleted (GTT; older notation c.43894_43896delGTT).
Protein change: p.Val14632del; deletes valine 14632.
Molecular consequence: inframe deletion.
Genome position (GRCh38, 1-based): chr2:178,631,152-178,631,154, AAC deleted on the plus strand (GTT on the coding strand, the reverse complement: TTN is on the minus strand); deleting any 3 consecutive bases within chr2:178,631,152-178,631,155 gives the same sequence; the c. name uses the placement nearest the transcript's 3' end. VCF-style (leftmost placement, unchanged base first): chr2-178631151-TAAC-T. GRCh37 (hg19) VCF-style: chr2-179495878-TAAC-T.
Other names: c.38971_38973del, p.Val12991del (NM_001256850.1); c.16699_16701del, p.Val5567del (NM_003319.4); c.36190_36192del, p.Val12064del (NM_133378.4); c.17074_17076del, p.Val5692del (NM_133432.3); c.17275_17277del, p.Val5759del (NM_133437.4); c.16699_16701delGTT (NM_003319.4); short protein forms V14632del, V5567del, V12064del, V12991del, V5692del, V5759del.
Identifiers: ClinVar variation 3812251 (VCV003812251.1).
Genomic context (GRCh38, chr2:178,631,151, plus strand): 5'-CAATATCTGATTTCAAGGCTTTCTTTAGGATTAGCATGCGTTTCTTGCCATCTGCCTTAA[TAAC>T]AGCATTTTTGGATGGCTTTATTTCCTTCCCATCCTTAAACCATTTCACTGGTGCATCTGC-3'

ClinVar aggregate classification (germline): Uncertain significance (1 of 4 stars; one submission).

Conditions:
Cardiovascular phenotype. Identifiers: MedGen CN230736.

Submission:

Ambry Genetics
Classification: Uncertain significance for Cardiovascular phenotype. Last evaluated: 2025-01-31. Review status: criteria provided, single submitter. Criteria: Ambry Variant Classification Scheme 2023. Collection method: clinical testing. Allele origin: germline.
Comment: The c.16699_16701delGTT variant (also known as p.V5567del), located in coding exon 64 of the TTN gene results from an in-frame GTT deletion at nucleotide positions 16699 to 16701. This results in the in-frame deletion of a valine at codon 5567. This amino acid position is not well conserved in available vertebrate species. In addition, this alteration is predicted to be deleterious by in silico analysis (Choi Y et al. PLoS ONE. 2012; 7(10):e46688). Based on the available evidence, the clinical significance of this variant remains unclear.